The following is an entry in ClinVar:

ClinVar aggregate classification (germline): Likely benign (1 of 4 stars; one submission).

Submission:

CeGaT Center for Human Genetics Tuebingen
Classification: Likely benign. Last evaluated: 2026-08-01. Review status: criteria provided, single submitter. Criteria: CeGaT Center For Human Genetics Tuebingen Variant Classification Criteria Version 2. Collection method: clinical testing. Allele origin: germline. Affected: yes. Observed: 1 variant allele.
Comment: MUC21: BP4

NM_001010909.5(MUC21):c.338C>T (p.Thr113Ile)

Gene: MUC21 (mucin 21, cell surface associated; plus strand). Cytogenetic location: 6p21.33.
Variant type: single nucleotide variant.
Coding change: c.338C>T on transcript NM_001010909.5 (MANE Select); coding-DNA position 338, C replaced by T.
Protein change: p.Thr113Ile; replaces threonine 113 with isoleucine.
Molecular consequence: missense variant. On other transcripts: non-coding transcript variant (1).
Genome position (GRCh38, 1-based): chr6:30,986,513, C>T. VCF-style: chr6-30986513-C-T. GRCh37 (hg19) VCF-style: chr6-30954290-C-T.
Other names: short protein forms T113I.
Identifiers: ClinVar variation 5038962 (VCV005038962.1).